The following is an entry in ClinVar:

NM_003356.4(UCP3):c.481G>A (p.Gly161Arg)

Gene: UCP3 (uncoupling protein 3; minus strand). Cytogenetic location: 11q13.4.
Variant type: single nucleotide variant.
Coding change: c.481G>A on transcript NM_003356.4 (MANE Select); coding-DNA position 481, G replaced by A.
Protein change: p.Gly161Arg; replaces glycine 161 with arginine.
Molecular consequence: missense variant.
Genome position (GRCh38, 1-based): chr11:74,005,790, C>T on the plus strand (G>A on the coding strand, the complement: UCP3 is on the minus strand). VCF-style: chr11-74005790-C-T. GRCh37 (hg19) VCF-style: chr11-73716835-C-T.
Other names: c.481G>A, p.Gly161Arg (NM_022803.3); short protein forms G161R.
Identifiers: ClinVar variation 2634434 (VCV002634434.3), dbSNP rs201405748, ClinGen allele CA6181475.

ClinVar aggregate classification (germline): Uncertain significance (0 of 4 stars; one submission).

Conditions:
UCP3-related disorder. Also called: UCP3-related condition.

Allele frequency attached by ClinVar (database versions not stated): ExAC 0.00001; gnomAD exomes 0.00002; TOPMed 0.00003; gnomAD 0.00004; 1000 Genomes Project 30x 0.00016; 1000 Genomes Project 0.00020.
gnomAD v4.1: 35 of 1,614,166 alleles (0.0022%); highest among the groups gnomAD compares: South Asian, 0.0022%; no homozygotes.

Submission:

PreventionGenetics, part of Exact Sciences
Classification: Uncertain significance for UCP3-related condition. Last evaluated: 2024-08-19. Review status: no assertion criteria provided. Collection method: clinical testing. Allele origin: germline.
Comment: The UCP3 c.481G>A variant is predicted to result in the amino acid substitution p.Gly161Arg. To our knowledge, this variant has not been reported in the literature. This variant is reported in 0.0026% of alleles in individuals of European (Non-Finnish) descent in gnomAD. At this time, the clinical significance of this variant is uncertain due to the absence of conclusive functional and genetic evidence.